The following is an entry in ClinVar:

NM_007294.4(BRCA1):c.4285_4286insG (p.Tyr1429Ter)

Gene: BRCA1 (BRCA1 DNA repair associated; minus strand). Cytogenetic location: 17q21.31.
Variant type: Insertion.
Coding change: c.4285_4286insG on transcript NM_007294.4 (MANE Select); coding-DNA positions 4285 to 4286, G inserted.
Protein change: p.Tyr1429Ter; replaces tyrosine 1429 with a stop codon.
Molecular consequence: nonsense. On other transcripts: frameshift variant (365), non-coding transcript variant (1).
Genome position: GRCh38 VCF-style: chr17-43082475-T-TC. GRCh37 (hg19) VCF-style: chr17-41234492-T-TC.
Other names: 4404insG; c.976_977insG, p.Tyr326Terfs (NM_007298.4, NM_007304.2, NM_001407970.1 and 8 more transcripts); c.976_977insG, p.Tyr326Ter (NM_007299.4); c.4285_4286insG, p.Tyr1429Ter (NM_007300.4); c.4282_4283insG, p.Tyr1428Terfs (NM_001407634.1, NM_001407635.1, NM_001407636.1 and 21 more transcripts); c.4279_4280insG, p.Tyr1427Terfs (NM_001407644.1, NM_001407645.1, NM_001407627.1 and 5 more transcripts); c.4273_4274insG, p.Tyr1425Terfs (NM_001407646.1, NM_001407647.1); c.4162_4163insG, p.Tyr1388Terfs (NM_001407648.1, NM_001407664.1, NM_001407665.1 and 13 more transcripts); and 55 more; short protein forms Y1382*, Y1429*, Y326*.
Identifiers: ClinVar variation 125700 (VCV000125700.3), dbSNP rs80357716, ClinGen allele CA002748.

ClinVar aggregate classification (germline): Pathogenic. Review status: reviewed by expert panel (3 of 4 stars). 2 submissions from 2 submitters: Pathogenic (1). 1 of the submissions does not count toward it. Last evaluated 2016-09-08.

Conditions:
Breast-ovarian cancer, familial, susceptibility to, 1 (BROVCA1). Also called: BRCA1 Hereditary Breast and Ovarian Cancer; OVARIAN CANCER, SUSCEPTIBILITY TO. Identifiers: Orphanet 145, MedGen C2676676, MONDO:0011450, OMIM 604370. Disease mechanism: loss of function.

Submissions (2):

Evidence-based Network for the Interpretation of Germline Mutant Alleles (ENIGMA)
Classification: Pathogenic for Breast-ovarian cancer, familial, susceptibility to, 1. Last evaluated: 2016-09-08. Review status: reviewed by expert panel. Criteria: ENIGMA BRCA1/2 Classification Criteria (2015). Collection method: curation. Allele origin: germline.
Comment: Variant allele predicted to encode a truncated non-functional protein.

Breast Cancer Information Core (BIC) (BRCA1)
Classification: Pathogenic for Breast-ovarian cancer, familial 1. Last evaluated: 2002-05-29. Review status: no assertion criteria provided. Collection method: clinical testing. Allele origin: germline. Affected: yes. Observed: 1 variant allele. Not counted in ClinVar's aggregate classification.